The following is an entry in ClinVar:

NM_000352.6(ABCC8):c.3784G>A (p.Ala1262Thr)

Gene: ABCC8 (ATP binding cassette subfamily C member 8; minus strand). Cytogenetic location: 11p15.1.
Variant type: single nucleotide variant.
Coding change: c.3784G>A on transcript NM_000352.6 (MANE Select); coding-DNA position 3784, G replaced by A.
Protein change: p.Ala1262Thr; replaces alanine 1262 with threonine.
Molecular consequence: missense variant. On other transcripts: non-coding transcript variant (1).
Genome position (GRCh38, 1-based): chr11:17,397,767, C>T on the plus strand (G>A on the coding strand, the complement: ABCC8 is on the minus strand). VCF-style: chr11-17397767-C-T. GRCh37 (hg19) VCF-style: chr11-17419314-C-T.
Other names: NP_000343.2:p.Ala1262Thr; c.3787G>A, p.Ala1263Thr (NM_001287174.3); c.3850G>A, p.Ala1284Thr (NM_001351295.2); c.3784G>A, p.Ala1262Thr (NM_001351296.2); c.3781G>A, p.Ala1261Thr (NM_001351297.2); short protein forms A1262T, A1263T, A1261T, A1284T.
Identifiers: ClinVar variation 804492 (VCV000804492.14), dbSNP rs1266053680, ClinGen allele CA379793539.

ClinVar aggregate classification (germline): Conflicting classifications of pathogenicity. Review status: criteria provided, conflicting classifications (1 of 4 stars). 7 submissions from 7 submitters: Pathogenic (2); Likely pathogenic (4); Uncertain significance (1). Last evaluated 2026-04-09.

Conditions:
Hereditary hyperinsulinism.
ABCC8-related disorder.
Maturity-onset diabetes of the young (MODY). Also called: Maturity onset diabetes mellitus in young. Identifiers: Orphanet 552, MedGen C0342276, MONDO:0018911, HP:0004904.
Hyperinsulinemic hypoglycemia, familial, 1 (HHF1). Also called: Persistent hyperinsulinemic hypoglycemia of infancy; HYPERINSULINISM, FAMILIAL, WITH PANCREATIC NESIDIOBLASTOSIS; HYPOGLYCEMIA, HYPERINSULINEMIC, OF INFANCY; Persistent Hyperinsulinemia Hypoglycemia of Infancy; NESIDIOBLASTOSIS OF PANCREAS. Identifiers: Orphanet 276575, Orphanet 276598, MedGen C2931832, MONDO:0009734, OMIM 256450.

Allele frequency attached by ClinVar (database versions not stated): gnomAD exomes below 0.00001 and 0.00002; gnomAD 0.00001.
gnomAD v4.1: 31 of 1,613,714 alleles (0.0019%); highest among the groups gnomAD compares: African/African-American, 0.0027%; no homozygotes.

Submissions (7):

Myriad Genetics, Inc.
Classification: Likely pathogenic for Hyperinsulinemic hypoglycemia, familial, 1. Last evaluated: 2026-04-09. Review status: criteria provided, single submitter. Criteria: Myriad Autosomal Dominant, Autosomal Recessive and X-Linked Classification Criteria (2023). Collection method: clinical testing. Allele origin: unknown.
Comment: NM_000352.3(ABCC8):c.3784G>A(A1262T) is a missense variant classified as likely pathogenic in the context of familial hyperinsulinism, ABCC8-related. A1262T has been observed in cases with relevant disease (PMID: 21981106, 36239000, 38212772). Relevant functional assessments of this variant are available in the literature (PMID: 26092864). A1262T has been observed in referenced population frequency databases. In summary, NM_000352.3(ABCC8):c.3784G>A(A1262T) is a missense variant that has functional support for pathogenicity and has been observed more frequently in cases with the relevant disease than in healthy populations. Please note: this variant was assessed in the context of healthy population screening.

Labcorp Genetics (formerly Invitae), Labcorp
Classification: Likely pathogenic. Last evaluated: 2026-01-20. Review status: criteria provided, single submitter. Criteria: Invitae Variant Classification Sherloc (09022015). Collection method: clinical testing. Allele origin: germline.
Comment: This sequence change replaces alanine, which is neutral and non-polar, with threonine, which is neutral and polar, at codon 1262 of the ABCC8 protein (p.Ala1262Thr). The frequency data for this variant in the population databases is considered unreliable, as metrics indicate poor data quality at this position in the gnomAD database. This missense change has been observed in individuals with atypical familial hyperinsulinemia, being paternally inherited (PMID: 21981106, 26092864, 38212772). This variant is also known as A1263T. ClinVar contains an entry for this variant (Variation ID: 804492). Invitae Evidence Modeling of protein sequence and biophysical properties (such as structural, functional, and spatial information, amino acid conservation, physicochemical variation, residue mobility, and thermodynamic stability) has been performed for this missense variant. However, the output from this modeling did not meet the statistical confidence thresholds required to predict the impact of this variant on ABCC8 protein function. Experimental studies have shown that this missense change affects ABCC8 function (PMID: 26092864). In summary, the currently available evidence indicates that the variant is pathogenic, but additional data are needed to prove that conclusively. Therefore, this variant has been classified as Likely Pathogenic.

PreventionGenetics, part of Exact Sciences
Classification: Pathogenic for ABCC8-related condition. Last evaluated: 2025-03-12. Review status: criteria provided, single submitter. Criteria: ACMG Guidelines, 2015. Collection method: clinical testing. Allele origin: germline.
Comment: The ABCC8 c.3784G>A variant is predicted to result in the amino acid substitution p.Ala1262Thr. This variant has been reported to be causative for congenital hyperinsulinism (CHI) or hyperinsulinemic hypoglycemia (p.G3784A in Christesen et al. 2012. PubMed ID: 21981106; A1263T in Nessa et al. 2015. PubMed ID: 26092864; Chang et al. 2024. PubMed ID: 38212772). In Nessa et al. and Chang et al. studies, three presumably unrelated patients inherited this variant paternally. Functional studies have shown that this variant affects ABCC8 function (A1263T in Nessa et al. 2015. PubMed ID: 26092864). This variant is reported in 0.0080% of alleles in individuals of African descent in gnomAD. This variant is interpreted as pathogenic.

Natera, Inc.
Classification: Likely pathogenic for Hereditary hyperinsulinism. Last evaluated: 2024-10-11. Review status: criteria provided, single submitter. Criteria: Natera Variant Classification Schema (03/2026). Collection method: clinical testing. Allele origin: germline.
Comment: The c.3784G>A variant in ABCC8 is a missense variant predicted to cause substitution of alanine to threonine at amino acid 1262. This variant is rare in the general population with a frequency below the threshold expected for the associated phenotype(s). This variant has been observed in affected individual(s) with monoallelic occurrence (heterozygous/hemizygous) (PMID: 37931151, 38212772, 36239000). Computational prediction algorithms indicate this variant is likely to affect gene or protein function. Given the available evidence, this variant is classified as Likely Pathogenic.

Department Of Endocrinology, Sanjay Gandhi Postgraduate Institute Of Medical Sciences
Classification: Likely pathogenic for Maturity-onset diabetes of the young type 1. Last evaluated: 2023-08-15. Review status: criteria provided, single submitter. Criteria: ACMG Guidelines, 2015. Collection method: clinical testing. Allele origin: maternal. Inheritance: Autosomal dominant inheritance. Affected: yes. Observed: 1 heterozygote.
Comment: A heterozygous missense variation in exon 31 of the ABCC8 gene (chr11:g.17419314C>T; c.3784G>A) that results in the amino acid substitution of Threonine (neutral, polar) for Alanine (neutral, non polar) at codon 1262 (p.Ala1262Thr) was detected. The variant affects the 'ABC transmembrane type-1' domain of ABCC8 which has 57 missense/in-frame variants reported, none of which are classified as benign. Experimental studies have shown that this missense change affects ABCC8 function (PMID: 26092864). The variant is absent in 1000 genome database and has a frequency of 0.000013 in gnomAD genomes. The variant was determined to be damaging by Mutation taster 2 and SIFT, and probably damaging by PolyPhen2. PM1, PM2, PP2, PP3.

Athena Diagnostics
Classification: Uncertain significance. Last evaluated: 2019-12-16. Review status: criteria provided, single submitter. Criteria: Athena Diagnostics Criteria. Collection method: clinical testing. Allele origin: unknown.

Neuberg Centre For Genomic Medicine, NCGM
Classification: Pathogenic for Hyperinsulinemic hypoglycemia, familial, 1. Review status: criteria provided, single submitter. Criteria: ACMG Guidelines, 2015. Collection method: clinical testing. Allele origin: germline. Inheritance: Autosomal dominant inheritance. Affected: yes.
Comment: The missense c.3784G>Ap.Ala1262Thr variant in ABCC8 gene has been reported previously in heterozygous state in multiple individuals affected with diabetes/hyperinsulinism Jayakrishnan C, et. al., 2022; Nessa A, et. al., 2015. Experimental studies have shown that this missense change affects ABCC8 function Nessa A, et. al., 2015. The p.Ala1262Thr variant has been reported with allele frequency of 0.0004% in gnomAD Exomes and is novel not in any individuals in 1000 Genomes. This variant has been reported to the ClinVar database as Uncertain Significance / Likely Pathogenic. The amino acid change p.Ala1262Thr in ABCC8 is predicted as conserved by GERP++ and PhyloP across 100 vertebrates. The amino acid Ala at position 1262 is changed to a Thr changing protein sequence and it might alter its composition and physico-chemical properties. For these reasons, this variant has been classified as Pathogenic.

Literature cited by the submitters: PubMed 21981106 (cited by Myriad Genetics, Inc. and Labcorp Genetics (formerly Invitae), Labcorp); PubMed 26092864 (cited by 3 submitters); PubMed 36239000 (cited by Myriad Genetics, Inc. and Natera, Inc.); PubMed 38212772 (cited by 3 submitters); PubMed 37931151 (cited by Natera, Inc.).